The following is an entry in ClinVar:

ClinVar aggregate classification (germline): Benign. Review status: reviewed by expert panel (3 of 4 stars). 3 submissions from 3 submitters: Benign (1). 2 of the submissions do not count toward it. Last evaluated 2015-01-12.

Conditions:
Breast-ovarian cancer, familial, susceptibility to, 1 (BROVCA1). Also called: BRCA1 Hereditary Breast and Ovarian Cancer; OVARIAN CANCER, SUSCEPTIBILITY TO. Identifiers: Orphanet 145, MedGen C2676676, MONDO:0011450, OMIM 604370. Disease mechanism: loss of function.

Allele frequency attached by ClinVar (database versions not stated): 1000 Genomes Project 30x 0.32979; 1000 Genomes Project 0.33586; TOPMed 0.28313; gnomAD 0.29350.
gnomAD v4.1: 45,493 of 150,350 alleles (30%); highest among the groups gnomAD compares: South Asian, 49%; 7,385 homozygotes.

Submissions (3):

Evidence-based Network for the Interpretation of Germline Mutant Alleles (ENIGMA)
Classification: Benign for Breast-ovarian cancer, familial 1. Last evaluated: 2015-01-12. Review status: reviewed by expert panel. Criteria: ENIGMA BRCA1/2 Classification Criteria (2015). Collection method: curation. Allele origin: germline.
Comment: Class 1 not pathogenic based on frequency >1% in an outbred sampleset. Frequency 0.3304 (Asian), 0.128 (African), 0.3562 (European), derived from 1000 genomes (2012-04-30).

GeneDx
Classification: Benign. Last evaluated: 2018-07-09. Review status: criteria provided, single submitter. Criteria: GeneDx Variant Classification Process June 2021. Collection method: clinical testing. Allele origin: germline. Affected: yes. Not counted in ClinVar's aggregate classification.

Breakthrough Genomics
Classification: Benign. Review status: criteria provided, single submitter. Criteria: ACMG Guidelines, 2015. Collection method: not provided. Allele origin: germline. Inheritance: Autosomal recessive inheritance. Affected: yes. Not counted in ClinVar's aggregate classification.

NM_007294.4(BRCA1):c.547+297G>C

Gene: BRCA1 (BRCA1 DNA repair associated; minus strand). Cytogenetic location: 17q21.31.
Variant type: single nucleotide variant.
Coding change: c.547+297G>C on transcript NM_007294.4 (MANE Select); 297 bases into the intron after coding-DNA position 547, G replaced by C.
Molecular consequence: intron variant.
Genome position (GRCh38, 1-based): chr17:43,099,478, C>G on the plus strand (G>C on the coding strand, the complement: BRCA1 is on the minus strand). VCF-style: chr17-43099478-C-G. GRCh37 (hg19) VCF-style: chr17-41251495-C-G.
Other names: IVS 8+297G>C; c.547+297G>C (NM_001407863.1, NM_001407679.1, NM_001407938.1 and 96 more transcripts); c.337+297G>C (NM_001408492.1, NM_001407889.1, NM_001408513.1 and 37 more transcripts); c.403+297G>C (NM_001408468.1, NM_001407842.1, NM_001407749.1 and 35 more transcripts); c.406+297G>C (NM_001408501.1, NM_001408455.1, NM_001407731.1 and 61 more transcripts); c.-218-4618G>C (NM_001407966.1, NM_001407967.1); c.166+297G>C (NM_001407963.1, NM_001407960.1, NM_001407965.1 and 3 more transcripts); c.334+297G>C (NM_001407899.1, NM_001407958.1, NM_001407955.1 and 18 more transcripts); and 6 more.
Identifiers: ClinVar variation 209463 (VCV000209463.5), dbSNP rs8176141, ClinGen allele CA276433.